The following is an entry in ClinVar:

ClinVar aggregate classification (germline): Uncertain significance. Review status: criteria provided, multiple submitters, no conflicts (2 of 4 stars). 2 submissions from 2 submitters: Uncertain significance (2). Last evaluated 2026-01-01.

Conditions:
Mitochondrial complex II deficiency, nuclear type 1. Also called: SUCCINATE CoQ REDUCTASE DEFICIENCY. Identifiers: Orphanet 3208, MedGen C5700310, MONDO:0100294, OMIM 252011.
Pheochromocytoma/paraganglioma syndrome 5. Also called: Paragangliomas 5; SDHA-Related Hereditary Paraganglioma-Pheochromocytoma Syndrome. Identifiers: Orphanet 29072, MedGen C3279992, MONDO:0013602, OMIM 614165.
Hereditary cancer-predisposing syndrome. Also called: Neoplastic Syndromes, Hereditary; Tumor predisposition; Hereditary Cancer Syndrome; Hereditary neoplastic syndrome. Identifiers: Orphanet 140162, MedGen C0027672, MeSH D009386, MONDO:0015356.

Submissions (2):

Ambry Genetics
Classification: Uncertain significance for Hereditary cancer-predisposing syndrome. Last evaluated: 2026-01-01. Review status: criteria provided, single submitter. Criteria: Ambry Variant Classification Scheme 2023. Collection method: clinical testing. Allele origin: germline.
Comment: The p.A17E variant (also known as c.50C>A), located in coding exon 1 of the SDHA gene, results from a C to A substitution at nucleotide position 50. The alanine at codon 17 is replaced by glutamic acid, an amino acid with dissimilar properties. This amino acid position is conserved. In addition, this alteration is predicted to be tolerated by in silico analysis. Based on the available evidence, the clinical significance of this variant remains unclear.

Labcorp Genetics (formerly Invitae), Labcorp
Classification: Uncertain significance for Pheochromocytoma/paraganglioma syndrome 5; Mitochondrial complex II deficiency, nuclear type 1. Last evaluated: 2025-04-01. Review status: criteria provided, single submitter. Criteria: Invitae Variant Classification Sherloc (09022015). Collection method: clinical testing. Allele origin: germline.
Comment: This sequence change replaces alanine, which is neutral and non-polar, with glutamic acid, which is acidic and polar, at codon 17 of the SDHA protein (p.Ala17Glu). This variant is not present in population databases (gnomAD no frequency). This variant has not been reported in the literature in individuals affected with SDHA-related conditions. ClinVar contains an entry for this variant (Variation ID: 2941210). Invitae Evidence Modeling of protein sequence and biophysical properties (such as structural, functional, and spatial information, amino acid conservation, physicochemical variation, residue mobility, and thermodynamic stability) indicates that this missense variant is not expected to disrupt SDHA protein function with a negative predictive value of 95%. In summary, the available evidence is currently insufficient to determine the role of this variant in disease. Therefore, it has been classified as a Variant of Uncertain Significance.

NM_004168.4(SDHA):c.50C>A (p.Ala17Glu)

Gene: SDHA (succinate dehydrogenase complex flavoprotein subunit A; plus strand). Cytogenetic location: 5p15.33.
Variant type: single nucleotide variant.
Coding change: c.50C>A on transcript NM_004168.4 (MANE Select); coding-DNA position 50, C replaced by A.
Protein change: p.Ala17Glu; replaces alanine 17 with glutamic acid.
Molecular consequence: missense variant.
Genome position (GRCh38, 1-based): chr5:218,405, C>A. VCF-style: chr5-218405-C-A. GRCh37 (hg19) VCF-style: chr5-218520-C-A.
Other names: c.50C>A (NM_004168.2); c.50C>A, p.Ala17Glu (NM_001294332.2, NM_001330758.2); short protein forms A17E.
Identifiers: ClinVar variation 2941210 (VCV002941210.4), dbSNP rs2126522709, ClinGen allele CA359007404.